The following is an entry in ClinVar:

NM_000059.4(BRCA2):c.5176G>T (p.Glu1726Ter)

Gene: BRCA2 (BRCA2 DNA repair associated; plus strand). Cytogenetic location: 13q13.1.
Variant type: single nucleotide variant.
Coding change: c.5176G>T on transcript NM_000059.4 (MANE Select); coding-DNA position 5176, G replaced by T.
Protein change: p.Glu1726Ter; replaces glutamic acid 1726 with a stop codon.
Molecular consequence: nonsense. On other transcripts: non-coding transcript variant (1), intron variant (2).
Genome position (GRCh38, 1-based): chr13:32,339,531, G>T. VCF-style: chr13-32339531-G-T. GRCh37 (hg19) VCF-style: chr13-32913668-G-T.
Other names: c.5176G>T, p.Glu1726Ter (NM_001406719.1, NM_001406720.1); c.1910-5027G>T (NM_001406721.1); c.425-5027G>T (NM_001406722.1); short protein forms E1726*.
Identifiers: ClinVar variation 2695707 (VCV002695707.3), dbSNP rs2548530163, ClinGen allele CA387784541.
Genomic context (GRCh38, chr13:32,339,531, plus strand): 5'-AATACTGCAGATTATGTAGGAAATTATTTGTATGAAAATAATTCAAACAGTACTATAGCT[G>T]AAAATGACAAAAATCATCTCTCCGAAAAACAAGATACTTATTTAAGTAACAGTAGCATGT-3'

ClinVar aggregate classification (germline): Pathogenic (1 of 4 stars; one submission).

Conditions:
Hereditary breast ovarian cancer syndrome. Also called: BRCA1- and BRCA2-Associated Hereditary Breast and Ovarian Cancer; Hereditary breast and ovarian cancer; Hereditary breast and ovarian cancer syndrome (HBOC); Hereditary breast and ovarian cancer syndrome; Hereditary breast and/or ovarian cancer syndrome; Breast and ovarian cancer. Identifiers: Orphanet 145, MedGen C0677776, MeSH D061325, MONDO:0003582. Disease mechanism: loss of function.

Submission:

Labcorp Genetics (formerly Invitae), Labcorp
Classification: Pathogenic for Hereditary breast ovarian cancer syndrome. Last evaluated: 2023-11-14. Review status: criteria provided, single submitter. Criteria: Invitae Variant Classification Sherloc (09022015). Collection method: clinical testing. Allele origin: germline.
Comment: This sequence change creates a premature translational stop signal (p.Glu1726*) in the BRCA2 gene. It is expected to result in an absent or disrupted protein product. Loss-of-function variants in BRCA2 are known to be pathogenic (PMID: 20104584). This variant is not present in population databases (gnomAD no frequency). This variant has not been reported in the literature in individuals affected with BRCA2-related conditions. For these reasons, this variant has been classified as Pathogenic.

Literature cited by the submitters: PubMed 20104584.